The following is an entry in ClinVar:

ClinVar aggregate classification (germline): Uncertain significance. Review status: criteria provided, multiple submitters, no conflicts (2 of 4 stars). 2 submissions from 2 submitters: Uncertain significance (2). Last evaluated 2024-04-24.

Conditions:
Hereditary cancer-predisposing syndrome. Also called: Tumor predisposition; Hereditary neoplastic syndrome; Neoplastic Syndromes, Hereditary; Hereditary Cancer Syndrome. Identifiers: Orphanet 140162, MedGen C0027672, MeSH D009386, MONDO:0015356.
Familial adenomatous polyposis 1 (FAP1). Also called: POLYPOSIS, ADENOMATOUS INTESTINAL; FAMILIAL ADENOMATOUS POLYPOSIS 1, ATTENUATED. Identifiers: MedGen C2713442, MONDO:0021056, OMIM 175100. Disease mechanism: loss of function.

Submissions (2):

Ambry Genetics
Classification: Uncertain significance for Hereditary cancer-predisposing syndrome. Last evaluated: 2024-04-24. Review status: criteria provided, single submitter. Criteria: Ambry Variant Classification Scheme 2023. Collection method: clinical testing. Allele origin: germline.
Comment: The p.R876G variant (also known as c.2626C>G), located in coding exon 15 of the APC gene, results from a C to G substitution at nucleotide position 2626. The arginine at codon 876 is replaced by glycine, an amino acid with dissimilar properties. Missense alterations in APC are not a common cause of disease (Spier I et al. Genet Med. 2024 Feb;26(2):100992). This amino acid position is well conserved in available vertebrate species. In addition, in silico predictors for this gene do not accurately predict pathogenicity. Based on the available evidence, the clinical significance of this variant remains unclear.

Labcorp Genetics (formerly Invitae), Labcorp
Classification: Uncertain significance for Familial adenomatous polyposis 1. Last evaluated: 2024-02-17. Review status: criteria provided, single submitter. Criteria: Invitae Variant Classification Sherloc (09022015). Collection method: clinical testing. Allele origin: germline.
Comment: This sequence change replaces arginine, which is basic and polar, with glycine, which is neutral and non-polar, at codon 876 of the APC protein (p.Arg876Gly). This variant is not present in population databases (gnomAD no frequency). This variant has not been reported in the literature in individuals affected with APC-related conditions. ClinVar contains an entry for this variant (Variation ID: 959507). Advanced modeling of protein sequence and biophysical properties (such as structural, functional, and spatial information, amino acid conservation, physicochemical variation, residue mobility, and thermodynamic stability) performed at Invitae indicates that this missense variant is not expected to disrupt APC protein function with a negative predictive value of 95%. In summary, the available evidence is currently insufficient to determine the role of this variant in disease. Therefore, it has been classified as a Variant of Uncertain Significance.

NM_000038.6(APC):c.2626C>G (p.Arg876Gly)

Gene: APC (APC regulator of Wnt signaling pathway; plus strand). Cytogenetic location: 5q22.2.
Variant type: single nucleotide variant.
Coding change: c.2626C>G on transcript NM_000038.6 (MANE Select); coding-DNA position 2626, C replaced by G.
Protein change: p.Arg876Gly; replaces arginine 876 with glycine.
Molecular consequence: missense variant.
Genome position (GRCh38, 1-based): chr5:112,838,220, C>G. VCF-style: chr5-112838220-C-G. GRCh37 (hg19) VCF-style: chr5-112173917-C-G.
Other names: c.2626C>G, p.Arg876Gly (NM_001127510.3, NM_001354895.2); c.2572C>G, p.Arg858Gly (NM_001127511.3); c.2680C>G, p.Arg894Gly (NM_001354896.2); c.2656C>G, p.Arg886Gly (NM_001354897.2); c.2551C>G, p.Arg851Gly (NM_001354898.2); c.2542C>G, p.Arg848Gly (NM_001354899.2); c.2503C>G, p.Arg835Gly (NM_001354900.2); c.2449C>G, p.Arg817Gly (NM_001354901.2); and 5 more; short protein forms R593G, R750G, R785G, R835G, R848G, R851G, R716G, R858G.
Identifiers: ClinVar variation 959507 (VCV000959507.12), dbSNP rs121913333, ClinGen allele CA16027077.